The following is an entry in ClinVar:

ClinVar aggregate classification (germline): Uncertain significance. Review status: criteria provided, multiple submitters, no conflicts (2 of 4 stars). 5 submissions from 5 submitters: Uncertain significance (5). Last evaluated 2026-04-28.

Conditions:
Catecholaminergic polymorphic ventricular tachycardia 1. Also called: RYR2-Related Catecholaminergic Polymorphic Ventricular Tachycardia; VENTRICULAR TACHYCARDIA, CATECHOLAMINERGIC POLYMORPHIC, 1, WITH OR WITHOUT ATRIAL DYSFUNCTION AND/OR DILATED CARDIOMYOPATHY; VENTRICULAR TACHYCARDIA, STRESS-INDUCED POLYMORPHIC 1. Identifiers: Orphanet 3286, MedGen C1631597, MONDO:0011484, OMIM 604772.
Ventricular arrhythmias due to cardiac ryanodine receptor calcium release deficiency syndrome. Also called: Autosomal dominant cardiac arrhythmia (Kuhn). Identifiers: MedGen C5542154, MONDO:0020745, OMIM 115000.
Arrhythmogenic right ventricular dysplasia 2. Identifiers: MedGen C1832931.
Cardiovascular phenotype. Identifiers: MedGen CN230736.
Catecholaminergic polymorphic ventricular tachycardia (CVPT). Also called: Catecholamine-induced polymorphic ventricular tachycardia. Identifiers: Orphanet 3286, MedGen C5574922, MONDO:0017990.
Cardiomyopathy (CMYO). Also called: Cardiomyopathies. Identifiers: Orphanet 167848, MedGen C0878544, MONDO:0004994, HP:0001638. Inheritance: Various modes of inheritance.

Allele frequency attached by ClinVar (database versions not stated): TOPMed 0.00001; ExAC 0.00001; gnomAD exomes below 0.00001.
gnomAD v4.1: 6 of 1,612,058 alleles (0.00037%); highest among the groups gnomAD compares: Non-Finnish European, 0.00051%; no homozygotes.

Submissions (5):

Ambry Genetics
Classification: Uncertain significance for Cardiovascular phenotype. Last evaluated: 2026-04-28. Review status: criteria provided, single submitter. Criteria: Ambry Variant Classification Scheme 2023. Collection method: clinical testing. Allele origin: germline.

Color Diagnostics, LLC DBA Color Health
Classification: Uncertain significance for Cardiomyopathy. Last evaluated: 2025-08-11. Review status: criteria provided, single submitter. Criteria: ACMG Guidelines, 2015. Collection method: clinical testing. Allele origin: germline.
Comment: This missense variant replaces cysteine with tyrosine at codon 131 of the RYR2 protein. Computational prediction suggests that this variant may have deleterious impact on protein structure and function. To our knowledge, functional studies have not been reported for this variant. This variant has not been reported in individuals affected with RYR2-related disorders in the literature. This variant has not been identified in the general population by the Genome Aggregation Database (gnomAD). The available evidence is insufficient to determine the role of this variant in disease conclusively. Therefore, this variant is classified as a Variant of Uncertain Significance.

Labcorp Genetics (formerly Invitae), Labcorp
Classification: Uncertain significance for Catecholaminergic polymorphic ventricular tachycardia 1. Last evaluated: 2025-02-03. Review status: criteria provided, single submitter. Criteria: Invitae Variant Classification Sherloc (09022015). Collection method: clinical testing. Allele origin: germline.
Comment: This sequence change replaces cysteine, which is neutral and slightly polar, with tyrosine, which is neutral and polar, at codon 131 of the RYR2 protein (p.Cys131Tyr). This variant is present in population databases (rs747297455, gnomAD no frequency). This variant has not been reported in the literature in individuals affected with RYR2-related conditions. ClinVar contains an entry for this variant (Variation ID: 1359967). Invitae Evidence Modeling of protein sequence and biophysical properties (such as structural, functional, and spatial information, amino acid conservation, physicochemical variation, residue mobility, and thermodynamic stability) has been performed for this missense variant. However, the output from this modeling did not meet the statistical confidence thresholds required to predict the impact of this variant on RYR2 protein function. In summary, the available evidence is currently insufficient to determine the role of this variant in disease. Therefore, it has been classified as a Variant of Uncertain Significance.

All of Us Research Program, National Institutes of Health
Classification: Uncertain significance for Catecholaminergic polymorphic ventricular tachycardia. Last evaluated: 2023-03-04. Review status: criteria provided, single submitter. Criteria: ACMG Guidelines, 2015. Collection method: clinical testing. Allele origin: germline. Inheritance: Autosomal dominant inheritance. Observed: 1 variant allele, 1 heterozygote.
Comment: This study involves interpretation of variants in research participants for the purpose of population health screening. Participant phenotype was not available at the time of variant classification. Additional details can be found in publication PMID: 35346344, PMCID: PMC8962531

Fulgent Genetics
Classification: Uncertain significance for Ventricular arrhythmias due to cardiac ryanodine receptor calcium release deficiency syndrome; Catecholaminergic polymorphic ventricular tachycardia 1. Last evaluated: 2021-09-17. Review status: criteria provided, single submitter. Criteria: ACMG Guidelines, 2015. Collection method: clinical testing. Allele origin: unknown.

NM_001035.3(RYR2):c.392G>A (p.Cys131Tyr)

Gene: RYR2 (ryanodine receptor 2; plus strand). Cytogenetic location: 1q43.
Variant type: single nucleotide variant.
Coding change: c.392G>A on transcript NM_001035.3 (MANE Select); coding-DNA position 392, G replaced by A.
Protein change: p.Cys131Tyr; replaces cysteine 131 with tyrosine.
Molecular consequence: missense variant.
Genome position (GRCh38, 1-based): chr1:237,374,724, G>A. VCF-style: chr1-237374724-G-A. GRCh37 (hg19) VCF-style: chr1-237538024-G-A.
Other names: c.392G>A (NM_001035.2); short protein forms C131Y.
Identifiers: ClinVar variation 1359967 (VCV001359967.12), dbSNP rs747297455, ClinGen allele CA086501.